The following is an entry in ClinVar:

ClinVar aggregate classification (germline): Uncertain significance (1 of 4 stars; one submission).

Submission:

Dasa
Classification: Uncertain significance. Last evaluated: 2025-12-21. Review status: criteria provided, single submitter. Criteria: DASA Assertion Criteria. Collection method: clinical testing. Allele origin: germline.
Comment: NM_003922.4(HERC1):c.9368C>T (p.Ala3123Val) is a missense variant that results in the substitution of alanine with valine. This variant is rare in population databases. The currently available literature and clinical evidence are not sufficient to establish a definitive association between this variant and the reported condition. Therefore, this variant is classified as a variant of uncertain significance.

NM_003922.4(HERC1):c.9368C>T (p.Ala3123Val)

Gene: HERC1 (HECT and RLD domain containing E3 ubiquitin protein ligase family member 1; minus strand). Cytogenetic location: 15q22.31.
Variant type: single nucleotide variant.
Coding change: c.9368C>T on transcript NM_003922.4 (MANE Select); coding-DNA position 9368, C replaced by T.
Protein change: p.Ala3123Val; replaces alanine 3123 with valine.
Molecular consequence: missense variant.
Genome position (GRCh38, 1-based): chr15:63,659,792, G>A on the plus strand (C>T on the coding strand, the complement: HERC1 is on the minus strand). VCF-style: chr15-63659792-G-A. GRCh37 (hg19) VCF-style: chr15-63951991-G-A.
Other names: short protein forms A3123V.
Identifiers: ClinVar variation 5020758 (VCV005020758.1).